The following is an entry in ClinVar:

ClinVar aggregate classification (germline): Uncertain significance (1 of 4 stars; one submission).

Conditions:
Cardiovascular phenotype. Identifiers: MedGen CN230736.

gnomAD v4.1: 2 of 1,614,210 alleles (0.00012%); highest among the groups gnomAD compares: African/African-American, 0.0013%; no homozygotes.

Submission:

Ambry Genetics
Classification: Uncertain significance for Cardiovascular phenotype. Last evaluated: 2021-08-09. Review status: criteria provided, single submitter. Criteria: Ambry Variant Classification Scheme 2023. Collection method: clinical testing. Allele origin: germline.
Comment: The p.N442I variant (also known as c.1325A>T), located in coding exon 9 of the FKTN gene, results from an A to T substitution at nucleotide position 1325. The asparagine at codon 442 is replaced by isoleucine, an amino acid with dissimilar properties. This amino acid position is highly conserved in available vertebrate species. In addition, the in silico prediction for this alteration is inconclusive. Since supporting evidence is limited at this time, the clinical significance of this alteration remains unclear.

NM_001079802.2(FKTN):c.1325A>T (p.Asn442Ile)

Gene: FKTN (fukutin; plus strand). Cytogenetic location: 9q31.2.
Variant type: single nucleotide variant.
Coding change: c.1325A>T on transcript NM_001079802.2 (MANE Select); coding-DNA position 1325, A replaced by T.
Protein change: p.Asn442Ile; replaces asparagine 442 with isoleucine.
Molecular consequence: missense variant. On other transcripts: 3 prime UTR variant (1), non-coding transcript variant (2), intron variant (1).
Genome position (GRCh38, 1-based): chr9:105,635,203, A>T. VCF-style: chr9-105635203-A-T. GRCh37 (hg19) VCF-style: chr9-108397484-A-T.
Other names: c.1325A>T, p.Asn442Ile (NM_001351496.2, NM_006731.2); c.1256A>T, p.Asn419Ile (NM_001351497.2); c.*117A>T (NM_001351498.2); c.929A>T, p.Asn310Ile (NM_001351499.2, NM_001351500.2, NM_001351501.2 and 1 more transcripts); c.1270+55A>T (NM_001198963.2); short protein forms N419I, N442I, N310I.
Identifiers: ClinVar variation 1769985 (VCV001769985.2), dbSNP rs1429464723, ClinGen allele CA374378342.